The following is an entry in ClinVar:

NM_001005242.3(PKP2):c.2416C>G (p.His806Asp)

Gene: PKP2 (plakophilin 2; minus strand). Cytogenetic location: 12p11.21.
Variant type: single nucleotide variant.
Coding change: c.2416C>G on transcript NM_001005242.3 (MANE Select); coding-DNA position 2416, C replaced by G.
Protein change: p.His806Asp; replaces histidine 806 with aspartic acid.
Molecular consequence: missense variant.
Genome position (GRCh38, 1-based): chr12:32,792,673, G>C on the plus strand (C>G on the coding strand, the complement: PKP2 is on the minus strand). VCF-style: chr12-32792673-G-C. GRCh37 (hg19) VCF-style: chr12-32945607-G-C.
Other names: c.2548C>G, p.His850Asp (NM_004572.4); short protein forms H806D, H850D.
Identifiers: ClinVar variation 1171845 (VCV001171845.3), dbSNP rs2137697992, ClinGen allele CA384356894.
Genomic context (GRCh38, chr12:32,792,673, plus strand): 5'-ACTATGACACATTCCTTGTTCATGTTCTTACCTTCTTGTAGGCATGATGCAGTTCCGTGT[G>C]TGCCCACAGAGAATACAGAAGGACGGAAGCAGCTTTACTTGCTTTGTTGGAGGCATAGCT-3'
Protein context (NP_001005242.2, residues 796-816): ASVLLYSLWA[His806Asp]TELHHAYKKA

ClinVar aggregate classification (germline): Uncertain significance (1 of 4 stars; one submission).

Conditions:
Cardiomyopathy (CMYO). Also called: Cardiomyopathies. Identifiers: Orphanet 167848, MedGen C0878544, MONDO:0004994, HP:0001638. Inheritance: Various modes of inheritance.

Submission:

Color Diagnostics, LLC DBA Color Health
Classification: Uncertain significance for Cardiomyopathy. Last evaluated: 2024-03-06. Review status: criteria provided, single submitter. Criteria: ACMG Guidelines, 2015. Collection method: clinical testing. Allele origin: germline.
Comment: This missense variant replaces histidine with aspartic acid at codon 850 of the PKP2 protein. Computational prediction suggests that this variant may not impact protein structure and function (internally defined REVEL score threshold <= 0.5, PMID: 27666373). To our knowledge, functional studies have not been reported for this variant. This variant has not been reported in individuals affected with cardiovascular disorders in the literature. This variant has not been identified in the general population by the Genome Aggregation Database (gnomAD). The available evidence is insufficient to determine the role of this variant in disease conclusively. Therefore, this variant is classified as a Variant of Uncertain Significance.